The following is an entry in ClinVar:

NM_017777.4(MKS1):c.1156G>T (p.Glu386Ter)

Gene: MKS1 (MKS transition zone complex subunit 1; minus strand). Cytogenetic location: 17q22.
Variant type: single nucleotide variant.
Coding change: c.1156G>T on transcript NM_017777.4 (MANE Select); coding-DNA position 1156, G replaced by T.
Protein change: p.Glu386Ter; replaces glutamic acid 386 with a stop codon.
Molecular consequence: nonsense.
Genome position (GRCh38, 1-based): chr17:58,208,114, C>A on the plus strand (G>T on the coding strand, the complement: MKS1 is on the minus strand). VCF-style: chr17-58208114-C-A. GRCh37 (hg19) VCF-style: chr17-56285475-C-A.
Other names: c.547G>T, p.Glu183Ter (NM_001321268.2); c.1156G>T, p.Glu386Ter (NM_001321269.2, NM_001330397.2); short protein forms E183*, E386*.
Identifiers: ClinVar variation 1452383 (VCV001452383.7), dbSNP rs1968640181, ClinGen allele CA400325630.

ClinVar aggregate classification (germline): Pathogenic/Likely pathogenic. Review status: criteria provided, multiple submitters, no conflicts (2 of 4 stars). 2 submissions from 2 submitters: Pathogenic (1); Likely pathogenic (1). Last evaluated 2025-07-31.

Conditions:
Meckel-Gruber syndrome. Also called: DYSENCEPHALIA SPLANCHNOCYSTICA; GRUBER SYNDROME; Dysencephalia splachnocystica. Identifiers: Orphanet 564, MedGen C0265215, MONDO:0018921.
Joubert syndrome. Also called: CEREBELLOPARENCHYMAL DISORDER IV; JOUBERT-BOLTSHAUSER SYNDROME; Familial aplasia of the vermis. Identifiers: Orphanet 475, MedGen C5979921, MONDO:0018772.
Bardet-Biedl syndrome 13 (BBS13). Identifiers: Orphanet 110, MedGen C2673873, MONDO:0014441, OMIM 615990.

Allele frequency attached by ClinVar (database versions not stated): gnomAD exomes below 0.00001; TOPMed below 0.00001; gnomAD 0.00001.

Submissions (2):

Labcorp Genetics (formerly Invitae), Labcorp
Classification: Pathogenic for Joubert syndrome; Meckel-Gruber syndrome. Last evaluated: 2025-07-31. Review status: criteria provided, single submitter. Criteria: Invitae Variant Classification Sherloc (09022015). Collection method: clinical testing. Allele origin: germline.
Comment: This sequence change creates a premature translational stop signal (p.Glu386*) in the MKS1 gene. It is expected to result in an absent or disrupted protein product. Loss-of-function variants in MKS1 are known to be pathogenic (PMID: 19466712, 24886560, 26490104). This variant is not present in population databases (gnomAD no frequency). This variant has not been reported in the literature in individuals affected with MKS1-related conditions. ClinVar contains an entry for this variant (Variation ID: 1452383). Algorithms developed to predict the effect of sequence changes on RNA splicing suggest that this variant may disrupt the consensus splice site. For these reasons, this variant has been classified as Pathogenic.

Baylor Genetics
Classification: Likely pathogenic for Bardet-Biedl syndrome 13. Last evaluated: 2023-11-24. Review status: criteria provided, single submitter. Criteria: ACMG Guidelines, 2015. Collection method: clinical testing. Allele origin: unknown.

Literature cited by the submitters: PubMed 19466712 (cited by Labcorp Genetics (formerly Invitae), Labcorp); PubMed 24886560 (cited by Labcorp Genetics (formerly Invitae), Labcorp); PubMed 26490104 (cited by Labcorp Genetics (formerly Invitae), Labcorp).